The following is an entry in ClinVar:

ClinVar aggregate classification (germline): Pathogenic (1 of 4 stars; one submission).

Submission:

Labcorp Genetics (formerly Invitae), Labcorp
Classification: Pathogenic. Last evaluated: 2022-08-19. Review status: criteria provided, single submitter. Criteria: Invitae Variant Classification Sherloc (09022015). Collection method: clinical testing. Allele origin: germline.
Comment: For these reasons, this variant has been classified as Pathogenic. ClinVar contains an entry for this variant (Variation ID: 1451262). Algorithms developed to predict the effect of sequence changes on RNA splicing suggest that this variant may disrupt the consensus splice site. This variant is not present in population databases (gnomAD no frequency). This variant has not been reported in the literature in individuals affected with USH2A-related conditions. This sequence change creates a premature translational stop signal (p.Gln1425*) in the USH2A gene. It is expected to result in an absent or disrupted protein product. Loss-of-function variants in USH2A are known to be pathogenic (PMID: 10729113, 10909849, 20507924, 25649381).

Literature cited by the submitters: PubMed 10729113; PubMed 10909849; PubMed 20507924; PubMed 25649381.

NM_206933.4(USH2A):c.4273C>T (p.Gln1425Ter)

Gene: USH2A (usherin; minus strand). Cytogenetic location: 1q41.
Variant type: single nucleotide variant.
Coding change: c.4273C>T on transcript NM_206933.4 (MANE Select); coding-DNA position 4273, C replaced by T.
Protein change: p.Gln1425Ter; replaces glutamine 1425 with a stop codon.
Molecular consequence: nonsense.
Genome position (GRCh38, 1-based): chr1:216,190,346, G>A on the plus strand (C>T on the coding strand, the complement: USH2A is on the minus strand). VCF-style: chr1-216190346-G-A. GRCh37 (hg19) VCF-style: chr1-216363688-G-A.
Other names: c.4273C>T, p.Gln1425Ter (NM_007123.6); short protein forms Q1425*.
Identifiers: ClinVar variation 1451262 (VCV001451262.6), dbSNP rs2102655189, ClinGen allele CA344865534.